The following is an entry in ClinVar:

ClinVar aggregate classification (germline): Uncertain significance. Review status: criteria provided, multiple submitters, no conflicts (2 of 4 stars). 2 submissions from 2 submitters: Uncertain significance (2). Last evaluated 2025-08-17.

Allele frequency attached by ClinVar (database versions not stated): gnomAD exomes 0.00001; ExAC 0.00002; gnomAD 0.00005; TOPMed 0.00009.
gnomAD v4.1: 16 of 1,613,810 alleles (0.00099%); highest among the groups gnomAD compares: African/African-American, 0.013%; no homozygotes.

Submissions (2):

Labcorp Genetics (formerly Invitae), Labcorp
Classification: Uncertain significance. Last evaluated: 2025-08-17. Review status: criteria provided, single submitter. Criteria: Invitae Variant Classification Sherloc (09022015). Collection method: clinical testing. Allele origin: germline.
Comment: This sequence change replaces asparagine, which is neutral and polar, with serine, which is neutral and polar, at codon 546 of the ELP1 protein (p.Asn546Ser). This variant is present in population databases (rs748586071, gnomAD 0.02%). This variant has not been reported in the literature in individuals affected with ELP1-related conditions. ClinVar contains an entry for this variant (Variation ID: 1800368). Invitae Evidence Modeling of protein sequence and biophysical properties (such as structural, functional, and spatial information, amino acid conservation, physicochemical variation, residue mobility, and thermodynamic stability) indicates that this missense variant is not expected to disrupt ELP1 protein function with a negative predictive value of 80%. In summary, the available evidence is currently insufficient to determine the role of this variant in disease. Therefore, it has been classified as a Variant of Uncertain Significance.

Ambry Genetics
Classification: Uncertain significance. Last evaluated: 2019-12-09. Review status: criteria provided, single submitter. Criteria: Ambry Variant Classification Scheme 2023. Collection method: clinical testing. Allele origin: germline.
Comment: The p.N546S variant (also known as c.1637A>G), located in coding exon 13 of the IKBKAP gene, results from an A to G substitution at nucleotide position 1637. The asparagine at codon 546 is replaced by serine, an amino acid with highly similar properties. This amino acid position is poorly conserved in available vertebrate species. In addition, this alteration is predicted to be tolerated by in silico analysis. Since supporting evidence is limited at this time, the clinical significance of this alteration remains unclear.

NM_003640.5(ELP1):c.1637A>G (p.Asn546Ser)

Gene: ELP1 (elongator acetyltransferase complex subunit 1; minus strand). Cytogenetic location: 9q31.3.
Variant type: single nucleotide variant.
Coding change: c.1637A>G on transcript NM_003640.5 (MANE Select); coding-DNA position 1637, A replaced by G.
Protein change: p.Asn546Ser; replaces asparagine 546 with serine.
Molecular consequence: missense variant.
Genome position (GRCh38, 1-based): chr9:108,906,309, T>C on the plus strand (A>G on the coding strand, the complement: ELP1 is on the minus strand). VCF-style: chr9-108906309-T-C. GRCh37 (hg19) VCF-style: chr9-111668589-T-C.
Other names: c.1295A>G, p.Asn432Ser (NM_001318360.2); c.590A>G, p.Asn197Ser (NM_001330749.2); short protein forms N197S, N432S, N546S.
Identifiers: ClinVar variation 1800368 (VCV001800368.5), dbSNP rs748586071, ClinGen allele CA5174966.